The following is an entry in ClinVar:

ClinVar aggregate classification (germline): Uncertain significance (1 of 4 stars; one submission).

Submission:

GeneDx
Classification: Uncertain significance. Last evaluated: 2022-03-15. Review status: criteria provided, single submitter. Criteria: GeneDx Variant Classification Process June 2021. Collection method: clinical testing. Allele origin: germline. Affected: yes.
Comment: Not observed at significant frequency in large population cohorts (gnomAD); In silico analysis supports that this missense variant has a deleterious effect on protein structure/function; Has not been previously published as pathogenic or benign to our knowledge

NM_002700.3(POU4F3):c.170C>G (p.Ala57Gly)

Genes: POU4F3 (POU class 4 homeobox 3; plus strand), RBM27-POU4F3 (RBM27-POU4F3 readthrough; plus strand). Cytogenetic location: 5q32.
Variant type: single nucleotide variant.
Coding change: c.170C>G on transcript NM_002700.3 (MANE Select); coding-DNA position 170, C replaced by G.
Protein change: p.Ala57Gly; replaces alanine 57 with glycine.
Molecular consequence: missense variant.
Genome position (GRCh38, 1-based): chr5:146,339,597, C>G. VCF-style: chr5-146339597-C-G. GRCh37 (hg19) VCF-style: chr5-145719160-C-G.
Other names: short protein forms A57G.
Identifiers: ClinVar variation 1706322 (VCV001706322.2), dbSNP rs2479691415, ClinGen allele CA361620159.
Genomic context (GRCh38, chr5:146,339,597, plus strand): 5'-CTCGCTTGCAGCTGCAGGGTAATATATTTGGAAGCTTTGATGAGAGCCTGCTGGCACGCG[C>G]CGAAGCTCTGGCGGCGGTGGATATCGTCTCCCACGGCAAGAACCATCCGTTCAAGCCCGA-3'
Protein context (NP_002691.1, residues 47-67): GSFDESLLAR[Ala57Gly]EALAAVDIVS